The following is an entry in ClinVar:

ClinVar aggregate classification (germline): Uncertain significance. Review status: criteria provided, multiple submitters, no conflicts (2 of 4 stars). 2 submissions from 2 submitters: Uncertain significance (2). Last evaluated 2024-03-03.

Conditions:
Frontotemporal dementia and/or amyotrophic lateral sclerosis 8. Identifiers: MedGen C5436881, MONDO:0030872, OMIM 619132.

Allele frequency attached by ClinVar (database versions not stated): gnomAD exomes 0.00001; ExAC 0.00002; ESP Exome Variant Server 0.00008; 1000 Genomes Project 30x 0.00016; 1000 Genomes Project 0.00020.
gnomAD v4.1: 31 of 1,614,110 alleles (0.0019%); highest among the groups gnomAD compares: African/African-American, 0.0093%; no homozygotes.

Submissions (2):

Baylor Genetics
Classification: Uncertain significance for Frontotemporal dementia and/or amyotrophic lateral sclerosis 8. Last evaluated: 2024-03-03. Review status: criteria provided, single submitter. Criteria: ACMG Guidelines, 2015. Collection method: clinical testing. Allele origin: unknown.

Labcorp Genetics (formerly Invitae), Labcorp
Classification: Uncertain significance. Last evaluated: 2023-12-05. Review status: criteria provided, single submitter. Criteria: Invitae Variant Classification Sherloc (09022015). Collection method: clinical testing. Allele origin: germline.
Comment: This sequence change replaces arginine, which is basic and polar, with histidine, which is basic and polar, at codon 53 of the CYLD protein (p.Arg53His). This variant is present in population databases (rs375455772, gnomAD 0.02%). This variant has not been reported in the literature in individuals affected with CYLD-related conditions. Advanced modeling of protein sequence and biophysical properties (such as structural, functional, and spatial information, amino acid conservation, physicochemical variation, residue mobility, and thermodynamic stability) performed at Invitae indicates that this missense variant is not expected to disrupt CYLD protein function with a negative predictive value of 80%. In summary, the available evidence is currently insufficient to determine the role of this variant in disease. Therefore, it has been classified as a Variant of Uncertain Significance.

NM_001378743.1(CYLD):c.158G>A (p.Arg53His)

Gene: CYLD (CYLD lysine 63 deubiquitinase; plus strand). Cytogenetic location: 16q12.1.
Variant type: single nucleotide variant.
Coding change: c.158G>A on transcript NM_001378743.1 (MANE Select); coding-DNA position 158, G replaced by A.
Protein change: p.Arg53His; replaces arginine 53 with histidine.
Molecular consequence: missense variant. On other transcripts: 5 prime UTR variant (2), non-coding transcript variant (1).
Genome position (GRCh38, 1-based): chr16:50,749,856, G>A. VCF-style: chr16-50749856-G-A. GRCh37 (hg19) VCF-style: chr16-50783767-G-A.
Other names: c.158G>A, p.Arg53His (NM_001378745.1, NM_001378746.1, NM_001378747.1 and 10 more transcripts); c.-505G>A (NM_001378754.1, NM_001378755.1); short protein forms R53H.
Identifiers: ClinVar variation 2885534 (VCV002885534.4), dbSNP rs375455772, ClinGen allele CA8052134.